The following is an entry in ClinVar:

ClinVar aggregate classification (germline): Uncertain significance (1 of 4 stars; one submission).

Allele frequency attached by ClinVar (database versions not stated): gnomAD 0.00001.
gnomAD v4.1: 1 of 1,551,554 alleles (0.000064%); highest among the groups gnomAD compares: African/African-American, 0.0014%; no homozygotes.

Submission:

Labcorp Genetics (formerly Invitae), Labcorp
Classification: Uncertain significance. Last evaluated: 2021-03-01. Review status: criteria provided, single submitter. Criteria: Invitae Variant Classification Sherloc (09022015). Collection method: clinical testing. Allele origin: germline.
Comment: This sequence change replaces serine with glycine at codon 52 of the KPNA7 protein (p.Ser52Gly). The serine residue is weakly conserved and there is a small physicochemical difference between serine and glycine. This variant is not present in population databases (ExAC no frequency). This variant has not been reported in the literature in individuals with KPNA7-related conditions. Algorithms developed to predict the effect of missense changes on protein structure and function (SIFT, PolyPhen-2, Align-GVGD) all suggest that this variant is likely to be tolerated, but these predictions have not been confirmed by published functional studies and their clinical significance is uncertain. In summary, the available evidence is currently insufficient to determine the role of this variant in disease. Therefore, it has been classified as a Variant of Uncertain Significance.

NM_001145715.3(KPNA7):c.154A>G (p.Ser52Gly)

Gene: KPNA7 (karyopherin subunit alpha 7; minus strand). Cytogenetic location: 7q22.1.
Variant type: single nucleotide variant.
Coding change: c.154A>G on transcript NM_001145715.3 (MANE Select); coding-DNA position 154, A replaced by G.
Protein change: p.Ser52Gly; replaces serine 52 with glycine.
Molecular consequence: missense variant.
Genome position (GRCh38, 1-based): chr7:99,203,153, T>C on the plus strand (A>G on the coding strand, the complement: KPNA7 is on the minus strand). VCF-style: chr7-99203153-T-C. GRCh37 (hg19) VCF-style: chr7-98800776-T-C.
Other names: short protein forms S52G.
Identifiers: ClinVar variation 1396195 (VCV001396195.8), dbSNP rs1284336075, ClinGen allele CA368421196.
Genomic context (GRCh38, chr7:99,203,153, plus strand): 5'-ACTACATACTGACCGCCACCCCTTTGGCTGTTTTTTCAGAAGGTGTGTCAGGGCAGAAGC[T>C]CGTGATATTCCTTCTCTTTAAGGTCTGTTCATCTTTCTTGGCCTTTCGGAGCTCCAGACT-3'
Protein context (NP_001139187.1, residues 42-62): EQTLKRRNIT[Ser52Gly]FCPDTPSEKT